The following is an entry in ClinVar:

ClinVar aggregate classification (germline): Uncertain significance (1 of 4 stars; one submission).

Submission:

Ambry Genetics
Classification: Uncertain significance. Last evaluated: 2026-04-30. Review status: criteria provided, single submitter. Criteria: Ambry Variant Classification Scheme 2023. Collection method: clinical testing. Allele origin: germline.
Comment: The p.R49T variant (also known as c.146G>C), located in coding exon 1 of the RNF43 gene, results from a G to C substitution at nucleotide position 146. The arginine at codon 49 is replaced by threonine, an amino acid with similar properties. This amino acid position is conserved. In addition, this alteration is predicted to be tolerated by in silico analysis. Based on the available evidence, the clinical significance of this variant remains unclear.

NM_017763.6(RNF43):c.146G>C (p.Arg49Thr)

Gene: RNF43 (ring finger protein 43; minus strand). Cytogenetic location: 17q22.
Variant type: single nucleotide variant.
Coding change: c.146G>C on transcript NM_017763.6 (MANE Select); coding-DNA position 146, G replaced by C.
Protein change: p.Arg49Thr; replaces arginine 49 with threonine.
Molecular consequence: missense variant. On other transcripts: intron variant (1).
Genome position (GRCh38, 1-based): chr17:58,415,432, C>G on the plus strand (G>C on the coding strand, the complement: RNF43 is on the minus strand). VCF-style: chr17-58415432-C-G. GRCh37 (hg19) VCF-style: chr17-56492793-C-G.
Other names: c.146G>C, p.Arg49Thr (NM_001305544.3, NM_001438820.1, NM_001438821.1 and 1 more transcripts); c.-130+1585G>C (NM_001437987.1); short protein forms R49T.
Identifiers: ClinVar variation 4863411 (VCV004863411.1).
Genomic context (GRCh38, chr17:58,415,432, plus strand): 5'-AACACACCTTCCAAAGTGAGATTCAGTTTTCCTGTGGGGTCCATTTTCAAGGGGATCACT[C>G]TGATAATAGCTTTCTGTTCTGCTGATCTTTCAGACTCCACCGCTGCTGCCAGTACCAGTC-3'
Protein context (NP_060233.3, residues 39-59): ERSAEQKAII[Arg49Thr]VIPLKMDPTG